The following is an entry in ClinVar:

ClinVar aggregate classification (germline): Likely benign (1 of 4 stars; one submission).

gnomAD v4.1: 420 of 1,612,398 alleles (0.026%); highest among the groups gnomAD compares: South Asian, 0.38%; 7 homozygotes.

Submission:

CeGaT Center for Human Genetics Tuebingen
Classification: Likely benign. Last evaluated: 2026-09-01. Review status: criteria provided, single submitter. Criteria: CeGaT Center For Human Genetics Tuebingen Variant Classification Criteria Version 2. Collection method: clinical testing. Allele origin: germline. Affected: yes. Observed: 1 variant allele.
Comment: PSMB10: BP4, BP7

NM_002801.4(PSMB10):c.579G>T (p.Leu193=)

Gene: PSMB10 (proteasome 20S subunit beta 10; minus strand). Cytogenetic location: 16q22.1.
Variant type: single nucleotide variant.
Coding change: c.579G>T on transcript NM_002801.4 (MANE Select); coding-DNA position 579, G replaced by T.
Protein change: p.Leu193=; no amino-acid change (leucine 193 retained).
Molecular consequence: synonymous variant.
Genome position (GRCh38, 1-based): chr16:67,934,928, C>A on the plus strand (G>T on the coding strand, the complement: PSMB10 is on the minus strand). VCF-style: chr16-67934928-C-A. GRCh37 (hg19) VCF-style: chr16-67968831-C-A.
Identifiers: ClinVar variation 5040923 (VCV005040923.1).